The following is an entry in ClinVar:

NM_000535.7(PMS2):c.544G>A (p.Ala182Thr)

Gene: PMS2 (PMS1 homolog 2, mismatch repair system component; minus strand). Cytogenetic location: 7p22.1.
Variant type: single nucleotide variant.
Coding change: c.544G>A on transcript NM_000535.7 (MANE Select); coding-DNA position 544, G replaced by A.
Protein change: p.Ala182Thr; replaces alanine 182 with threonine.
Molecular consequence: missense variant. On other transcripts: non-coding transcript variant (1), intron variant (3).
Genome position (GRCh38, 1-based): chr7:5,999,269, C>T on the plus strand (G>A on the coding strand, the complement: PMS2 is on the minus strand). VCF-style: chr7-5999269-C-T. GRCh37 (hg19) VCF-style: chr7-6038900-C-T.
Other names: c.139G>A, p.Ala47Thr (NM_001322003.2, NM_001322004.2, NM_001322005.2 and 2 more transcripts); c.544G>A, p.Ala182Thr (NM_001322006.2, NM_001322014.2); c.226G>A, p.Ala76Thr (NM_001322007.2, NM_001322008.2); c.235G>A, p.Ala79Thr (NM_001322015.2); c.133-1846G>A (NM_001322013.2); c.-347-43G>A (NM_001322012.2, NM_001322011.2); short protein forms A182T, A47T, A76T, A79T.
Identifiers: ClinVar variation 91359 (VCV000091359.18), dbSNP rs587779341, ClinGen allele CA012321.

ClinVar aggregate classification (germline): Uncertain significance. Review status: criteria provided, multiple submitters, no conflicts (2 of 4 stars). 3 submissions from 3 submitters: Uncertain significance (3). Last evaluated 2025-05-16.

Conditions:
Hereditary nonpolyposis colorectal neoplasms. Identifiers: MedGen C0009405, MeSH D003123.
Hereditary cancer-predisposing syndrome. Also called: Tumor predisposition; Hereditary Cancer Syndrome; Hereditary neoplastic syndrome; Neoplastic Syndromes, Hereditary. Identifiers: Orphanet 140162, MedGen C0027672, MeSH D009386, MONDO:0015356.

Allele frequency attached by ClinVar (database versions not stated): gnomAD exomes below 0.00001; ExAC 0.00001.
gnomAD v4.1: 4 of 1,613,498 alleles (0.00025%); highest among the groups gnomAD compares: South Asian, 0.0011%; no homozygotes.

Submissions (3):

Ambry Genetics
Classification: Uncertain significance for Hereditary cancer-predisposing syndrome. Last evaluated: 2025-05-16. Review status: criteria provided, single submitter. Criteria: Ambry Variant Classification Scheme 2023. Collection method: clinical testing. Allele origin: germline.
Comment: The p.A182T variant (also known as c.544G>A), located in coding exon 6 of the PMS2 gene, results from a G to A substitution at nucleotide position 544. The alanine at codon 182 is replaced by threonine, an amino acid with similar properties. Although phase was not determined, this variant was identified in conjunction with pathogenic/likely pathogenic variants in two probands whose Lynch syndrome-associated tumors displayed microsatellite instability with isolated loss of PMS2 expression on immunohistochemistry (IHC), and no features of constitutional mismatch repair deficiency (CMMRD) were reported (Clendenning M et al. Hum. Mutat. 2006 May;27:490-5). This amino acid position is not well conserved in available vertebrate species. In addition, this alteration is predicted to be tolerated by in silico analysis. Based on the available evidence, the clinical significance of this variant remains unclear.

Labcorp Genetics (formerly Invitae), Labcorp
Classification: Uncertain significance for Hereditary nonpolyposis colorectal neoplasms. Last evaluated: 2025-02-12. Review status: criteria provided, single submitter. Criteria: Invitae Variant Classification Sherloc (09022015). Collection method: clinical testing. Allele origin: germline.
Comment: This sequence change replaces alanine, which is neutral and non-polar, with threonine, which is neutral and polar, at codon 182 of the PMS2 protein (p.Ala182Thr). This variant is present in population databases (rs587779341, gnomAD 0.003%). This missense change has been observed in individual(s) with clinical features of Lynch syndrome (PMID: 16619239). ClinVar contains an entry for this variant (Variation ID: 91359). Invitae Evidence Modeling incorporating data from in vitro experimental studies (internal data) indicates that this missense variant is not expected to disrupt PMS2 function with a negative predictive value of 95%. In summary, the available evidence is currently insufficient to determine the role of this variant in disease. Therefore, it has been classified as a Variant of Uncertain Significance.

Color Diagnostics, LLC DBA Color Health
Classification: Uncertain significance for Hereditary cancer-predisposing syndrome. Last evaluated: 2024-06-13. Review status: criteria provided, single submitter. Criteria: ACMG Guidelines, 2015. Collection method: clinical testing. Allele origin: germline.
Comment: This missense variant replaces alanine with threonine at codon 182 of the PMS2 protein. Computational prediction suggests that this variant may not impact protein structure and function (internally defined REVEL score threshold <= 0.5, PMID: 27666373). To our knowledge, functional studies have not been reported for this variant. This variant has been reported in two individuals suspected of having Lynch syndrome with tumor data showing loss of PMS2 protein expression, however, they each carried other PMS2 variants as well that could explain the observed phenotype (PMID: 16619239). This variant has been identified in 1/251470 chromosomes in the general population by the Genome Aggregation Database (gnomAD). The available evidence is insufficient to determine the role of this variant in disease conclusively. Therefore, this variant is classified as a Variant of Uncertain Significance.

Literature cited by the submitters: PubMed 16619239 (cited by 3 submitters); PubMed 21354867 (cited by Ambry Genetics); PubMed 32571878 (cited by Ambry Genetics).